The following is an entry in ClinVar:

NM_001256627.2(BRSK2):c.1510G>T (p.Glu504Ter)

Gene: BRSK2 (BR serine/threonine kinase 2; plus strand). Cytogenetic location: 11p15.5.
Variant type: single nucleotide variant.
Coding change: c.1510G>T on transcript NM_001256627.2 (MANE Select); coding-DNA position 1510, G replaced by T.
Protein change: p.Glu504Ter; replaces glutamic acid 504 with a stop codon.
Molecular consequence: nonsense. On other transcripts: non-coding transcript variant (1).
Genome position (GRCh38, 1-based): chr11:1,451,385, G>T. VCF-style: chr11-1451385-G-T. GRCh37 (hg19) VCF-style: chr11-1472615-G-T.
Other names: c.1330G>T, p.Glu444Ter (NM_001440674.1, NM_001440675.1, NM_001440676.1 and 3 more transcripts); c.1510G>T, p.Glu504Ter (NM_003957.4, NM_001256629.2); c.1648G>T, p.Glu550Ter (NM_001440667.1, NM_001256630.1); c.1576G>T, p.Glu526Ter (NM_001440668.1, NM_001440670.1); c.1396G>T, p.Glu466Ter (NM_001440671.1, NM_001440672.1); c.1942G>T, p.Glu648Ter (NM_001440665.1); c.1876G>T, p.Glu626Ter (NM_001440666.1); short protein forms E444*, E466*, E504*, E526*, E550*, E626*, E648*.
Identifiers: ClinVar variation 4849542 (VCV004849542.1).

ClinVar aggregate classification (germline): Pathogenic (1 of 4 stars; one submission).

Conditions:
Autosomal dominant non-syndromic intellectual disability. Identifiers: Orphanet 178469, MedGen C5680502, MONDO:0015802.

Submission:

Department of Human Genetics, University Hospital Bern, Inselspital
Classification: Pathogenic for Autosomal dominant non-syndromic intellectual disability. Last evaluated: 2026-05-03. Review status: criteria provided, single submitter. Criteria: ACMG Guidelines, 2015. Collection method: clinical testing. Allele origin: de novo. Affected: yes.
Comment: The variant leads to an early stop codon likely resulting in nonsense-mediated mRNA decay. The variant was shown to have occurred de novo and is absent from gnomAD v4.1.0. In summary, criteria PVS1, PS2_supporting and PM2_Supporting were used.

Literature cited by the submitters: PubMed 42509346.